The following is an entry in ClinVar:

ClinVar aggregate classification (germline): Conflicting classifications of pathogenicity. Review status: criteria provided, conflicting classifications (1 of 4 stars). 2 submissions from 2 submitters: Uncertain significance (1); Likely benign (1). Last evaluated 2025-03-04.

Conditions:
Hereditary diffuse gastric adenocarcinoma (HDGC). Also called: DIFFUSE GASTRIC AND LOBULAR BREAST CANCER SYNDROME. Identifiers: Orphanet 26106, MedGen C1708349, MONDO:0007648, OMIM 137215.

Allele frequency attached by ClinVar (database versions not stated): ExAC 0.00002; gnomAD exomes 0.00003; TOPMed 0.00005; gnomAD 0.00007; 1000 Genomes Project 30x 0.00016; 1000 Genomes Project 0.00020.
gnomAD v4.1: 55 of 1,564,676 alleles (0.0035%); highest among the groups gnomAD compares: African/African-American, 0.0094%; no homozygotes.

Submissions (2):

Center for Genomic Medicine, Rigshospitalet, Copenhagen University Hospital
Classification: Likely benign. Last evaluated: 2025-03-04. Review status: criteria provided, single submitter. Criteria: ACMG Guidelines, 2015. Collection method: clinical testing. Allele origin: germline.

European Reference Network on Genetic Tumour Risk Syndromes (ERN-GENTURIS), i3s - Instituto de Investigação e Inovação em Saúde, University of Porto
Classification: Uncertain significance for Hereditary diffuse gastric adenocarcinoma. Last evaluated: 2022-08-01. Review status: criteria provided, single submitter. Criteria: Lee et al. (Hum Mutat. 2018). Collection method: clinical testing. Allele origin: germline. Inheritance: Autosomal dominant inheritance. Affected: no. Study: ERN GENTURIS.
Comment: Not applicable criteria (PMID: 30311375)

Literature cited by the submitters: PubMed 36436516 (cited by European Reference Network on Genetic Tumour Risk Syndromes (ERN-GENTURIS), i3s - Instituto de Investigação e Inovação em Saúde, University of Porto).

NM_004360.5(CDH1):c.*29C>A

Gene: CDH1 (cadherin 1; plus strand). Cytogenetic location: 16q22.1.
Variant type: single nucleotide variant.
Coding change: c.*29C>A on transcript NM_004360.5 (MANE Select); 29 bases downstream of the stop codon, C replaced by A.
Molecular consequence: 3 prime UTR variant.
Genome position (GRCh38, 1-based): chr16:68,833,528, C>A. VCF-style: chr16-68833528-C-A. GRCh37 (hg19) VCF-style: chr16-68867431-C-A.
Other names: c.*29C>A (NM_001317184.2, NM_001317185.2, NM_001317186.2).
Identifiers: ClinVar variation 2503015 (VCV002503015.3), dbSNP rs200188690, ClinGen allele CA8130327.